The following is an entry in ClinVar:

NM_005035.4(POLRMT):c.2918G>A (p.Arg973Gln)

Gene: POLRMT (RNA polymerase mitochondrial; minus strand). Cytogenetic location: 19p13.3.
Variant type: single nucleotide variant.
Coding change: c.2918G>A on transcript NM_005035.4 (MANE Select); coding-DNA position 2918, G replaced by A.
Protein change: p.Arg973Gln; replaces arginine 973 with glutamine.
Molecular consequence: missense variant. On other transcripts: non-coding transcript variant (1), intron variant (3).
Genome position (GRCh38, 1-based): chr19:619,734, C>T on the plus strand (G>A on the coding strand, the complement: POLRMT is on the minus strand). VCF-style: chr19-619734-C-T. GRCh37 (hg19) VCF-style: chr19-619734-C-T.
Other names: c.2918G>A, p.Arg973Gln (NM_001407805.1, NM_001407808.1, NM_001407812.1 and 1 more transcripts); c.2909G>A, p.Arg970Gln (NM_001407806.1, NM_001407809.1); c.2906G>A, p.Arg969Gln (NM_001407807.1, NM_001407810.1); c.2585G>A, p.Arg862Gln (NM_001407834.1); c.2594G>A, p.Arg865Gln (NM_001407835.1, NM_001407831.1, NM_001407833.1); c.2887-47G>A (NM_001407815.1, NM_001407814.1); c.2563-47G>A (NM_001407836.1); c.2876G>A, p.Arg959Gln (NM_001407811.1, NM_001407813.1); and 2 more; short protein forms R862Q, R865Q, R898Q, R932Q, R959Q, R969Q, R970Q, R973Q.
Identifiers: ClinVar variation 3026876 (VCV003026876.22), dbSNP rs1984353088, ClinGen allele CA402895747.

ClinVar aggregate classification (germline): Uncertain significance (1 of 4 stars; one submission).

Allele frequency attached by ClinVar (database versions not stated): TOPMed below 0.00001.
gnomAD v4.1: 1 of 1,594,988 alleles (0.000063%); highest among the groups gnomAD compares: South Asian, 0.0011%; no homozygotes.

Submission:

CeGaT Center for Human Genetics Tuebingen
Classification: Uncertain significance. Last evaluated: 2024-01-01. Review status: criteria provided, single submitter. Criteria: CeGaT Center For Human Genetics Tuebingen Variant Classification Criteria Version 2. Collection method: clinical testing. Allele origin: germline. Affected: yes. Observed: 1 variant allele.
Comment: POLRMT: PM2, BP4